The following is an entry in ClinVar:

NM_130468.4(CHST14):c.507G>T (p.Leu169=)

Gene: CHST14 (carbohydrate sulfotransferase 14; plus strand). Cytogenetic location: 15q15.1.
Variant type: single nucleotide variant.
Coding change: c.507G>T on transcript NM_130468.4 (MANE Select); coding-DNA position 507, G replaced by T.
Protein change: p.Leu169=; no amino-acid change (leucine 169 retained).
Molecular consequence: synonymous variant.
Genome position (GRCh38, 1-based): chr15:40,471,720, G>T. VCF-style: chr15-40471720-G-T. GRCh37 (hg19) VCF-style: chr15-40763919-G-T.
Identifiers: ClinVar variation 746786 (VCV000746786.10), dbSNP rs776505961, ClinGen allele CA7481606.

ClinVar aggregate classification (germline): Likely benign. Review status: criteria provided, multiple submitters, no conflicts (2 of 4 stars). 5 submissions from 5 submitters: Likely benign (4). 1 of the submissions does not count toward it. Last evaluated 2024-07-30.

Conditions:
CHST14-related disorder. Also called: CHST14-related condition.
Cardiovascular phenotype. Identifiers: MedGen CN230736.

Allele frequency attached by ClinVar (database versions not stated): gnomAD exomes 0.00012 and 0.00014; TOPMed 0.00012; ExAC 0.00014; gnomAD 0.00017 and 0.00020.
gnomAD v4.1: 203 of 1,613,464 alleles (0.013%); highest among the groups gnomAD compares: Non-Finnish European, 0.013%; no homozygotes.

Submissions (5):

Blueprint Genetics
Classification: Likely benign. Last evaluated: 2024-07-30. Review status: criteria provided, single submitter. Criteria: ACMG Guidelines, 2015. Collection method: clinical testing. Allele origin: germline.

Ambry Genetics
Classification: Likely benign for Cardiovascular phenotype. Last evaluated: 2022-02-12. Review status: criteria provided, single submitter. Criteria: Ambry Variant Classification Scheme 2023. Collection method: clinical testing. Allele origin: germline.

GeneDx
Classification: Likely benign. Last evaluated: 2020-03-19. Review status: criteria provided, single submitter. Criteria: GeneDx Variant Classification Process June 2021. Collection method: clinical testing. Allele origin: germline. Affected: yes.

Labcorp Genetics (formerly Invitae), Labcorp
Classification: Likely benign. Last evaluated: 2018-03-06. Review status: criteria provided, single submitter. Criteria: Invitae Variant Classification Sherloc (09022015). Collection method: clinical testing. Allele origin: germline.

PreventionGenetics, part of Exact Sciences
Classification: Likely benign for CHST14-related condition. Last evaluated: 2019-09-06. Review status: no assertion criteria provided. Collection method: clinical testing. Allele origin: germline. Not counted in ClinVar's aggregate classification.
Comment: This variant is classified as likely benign based on ACMG/AMP sequence variant interpretation guidelines (Richards et al. 2015 PMID: 25741868, with internal and published modifications).